The following is an entry in ClinVar:

ClinVar aggregate classification (germline): Uncertain significance (1 of 4 stars; one submission).

Submission:

Labcorp Genetics (formerly Invitae), Labcorp
Classification: Uncertain significance. Last evaluated: 2023-07-21. Review status: criteria provided, single submitter. Criteria: Invitae Variant Classification Sherloc (09022015). Collection method: clinical testing. Allele origin: germline.
Comment: In summary, the available evidence is currently insufficient to determine the role of this variant in disease. Therefore, it has been classified as a Variant of Uncertain Significance. Variants that disrupt the consensus splice site are a relatively common cause of aberrant splicing (PMID: 17576681, 9536098). Algorithms developed to predict the effect of sequence changes on RNA splicing suggest that this variant is not likely to affect RNA splicing. This variant has not been reported in the literature in individuals affected with COL11A1-related conditions. This variant is not present in population databases (gnomAD no frequency). This sequence change falls in intron 65 of the COL11A1 gene. It does not directly change the encoded amino acid sequence of the COL11A1 protein. It affects a nucleotide within the consensus splice site.

Literature cited by the submitters: PubMed 17576681; PubMed 9536098.

NM_001854.4(COL11A1):c.5041-3T>C

Genes: COL11A1 (collagen type XI alpha 1 chain; minus strand), LOC126805814 (P300/CBP strongly-dependent group 1 enhancer GRCh37_chr1:103344928-103346127; plus strand). Cytogenetic location: 1p21.1.
Variant type: single nucleotide variant.
Coding change: c.5041-3T>C on transcript NM_001854.4 (MANE Select); 3 bases into the intron before coding-DNA position 5041, T replaced by C.
Molecular consequence: intron variant.
Genome position (GRCh38, 1-based): chr1:102,879,919, A>G on the plus strand (T>C on the coding strand, the complement: COL11A1 is on the minus strand). VCF-style: chr1-102879919-A-G. GRCh37 (hg19) VCF-style: chr1-103345475-A-G.
Other names: c.4924-3T>C (NM_001190709.2); c.5077-3T>C (NM_080629.3); c.4693-3T>C (NM_080630.4).
Identifiers: ClinVar variation 2745739 (VCV002745739.3), dbSNP rs2524163328, ClinGen allele CA2697552569.